The following is an entry in ClinVar:

NM_001130438.3(SPTAN1):c.3579+1223G>A

Gene: SPTAN1 (spectrin alpha, non-erythrocytic 1; plus strand). Cytogenetic location: 9q34.11.
Variant type: single nucleotide variant.
Coding change: c.3579+1223G>A on transcript NM_001130438.3 (MANE Select); 1223 bases into the intron after coding-DNA position 3579, G replaced by A.
Molecular consequence: intron variant.
Genome position (GRCh38, 1-based): chr9:128,601,338, G>A. VCF-style: chr9-128601338-G-A. GRCh37 (hg19) VCF-style: chr9-131363617-G-A.
Other names: c.3615+1223G>A (NM_001375318.1, NM_001375312.2); c.3579+1223G>A (NM_001375311.2, NM_001375310.1, NM_001363759.2 and 2 more transcripts); c.3519+1223G>A (NM_001375314.2, NM_001363765.2, NM_001195532.2).
Identifiers: ClinVar variation 2659543 (VCV002659543.24), dbSNP rs115750607, ClinGen allele CA200393416.
Genomic context (GRCh38, chr9:128,601,338, plus strand): 5'-TATGTGATACATTTATAACTGTGATTGTGTAACTGGTTGCCTGTGTAACTGGTTGCCTGT[G>A]TCTCAGTTCTAGCATCTTCCCTCCTGACCCAGCTCTTCAGGAATACATCACTTGAGTTAC-3'

ClinVar aggregate classification (germline): Likely benign (1 of 4 stars; one submission).

Allele frequency attached by ClinVar (database versions not stated): gnomAD 0.00206; 1000 Genomes Project 0.00240; TOPMed 0.00240; 1000 Genomes Project 30x 0.00281.

Submission:

CeGaT Center for Human Genetics Tuebingen
Classification: Likely benign. Last evaluated: 2023-01-01. Review status: criteria provided, single submitter. Criteria: CeGaT Center For Human Genetics Tuebingen Variant Classification Criteria Version 2. Collection method: clinical testing. Allele origin: germline. Affected: yes. Observed: 2 variant alleles.
Comment: SPTAN1: BS1